The following is an entry in ClinVar:

NM_001854.4(COL11A1):c.3385-1G>T

Gene: COL11A1 (collagen type XI alpha 1 chain; minus strand). Cytogenetic location: 1p21.1.
Variant type: single nucleotide variant.
Coding change: c.3385-1G>T on transcript NM_001854.4 (MANE Select); the canonical splice acceptor site of the intron before coding-DNA position 3385, G replaced by T.
Molecular consequence: splice acceptor variant.
Genome position (GRCh38, 1-based): chr1:102,939,089, C>A on the plus strand (G>T on the coding strand, the complement: COL11A1 is on the minus strand). VCF-style: chr1-102939089-C-A. GRCh37 (hg19) VCF-style: chr1-103404645-C-A.
Other names: c.3268-1G>T (NM_001190709.2); c.3421-1G>T (NM_080629.3); c.3037-1G>T (NM_080630.4).
Identifiers: ClinVar variation 3345070 (VCV003345070.1).
Genomic context (GRCh38, chr1:102,939,089, plus strand): 5'-ACTCACATTTTCTCCCTTGTCACCCTTGCTGCCTTTTTGTCCCGGCTCACCAATTTCACC[C>A]TGAAATTGAAAGATTTGACTTAGAGTTTATCTCTAACATGCTATTGCATTGTCTTAATTA-3'

ClinVar aggregate classification (germline): Likely pathogenic (0 of 4 stars; one submission).

Conditions:
COL11A1-related disorder. Also called: COL11A1-related disorders; COL11A1-related condition.

Submission:

PreventionGenetics, part of Exact Sciences
Classification: Likely pathogenic for COL11A1-related condition. Last evaluated: 2024-08-19. Review status: no assertion criteria provided. Collection method: clinical testing. Allele origin: germline.
Comment: The COL11A1 c.3385-1G>T variant is predicted to disrupt the AG splice acceptor site and interfere with normal splicing. This variant has been reported in an individual with adolescent idiopathic scoliosis (Table S4, search chr1:103404645 in Haller et al. 2016. PubMed ID: 26566670). This variant has not been reported in a large population database, indicating this variant is rare. Variants that disrupt the consensus splice acceptor site in COL11A1 are expected to be pathogenic. This variant is interpreted as likely pathogenic.